The following is an entry in ClinVar:

ClinVar aggregate classification (germline): Uncertain significance. Review status: criteria provided, multiple submitters, no conflicts (2 of 4 stars). 2 submissions from 2 submitters: Uncertain significance (2). Last evaluated 2024-06-22.

Conditions:
Hereditary cancer-predisposing syndrome. Also called: Neoplastic Syndromes, Hereditary; Tumor predisposition; Hereditary Cancer Syndrome; Hereditary neoplastic syndrome. Identifiers: Orphanet 140162, MedGen C0027672, MeSH D009386, MONDO:0015356.

Submissions (2):

Labcorp Genetics (formerly Invitae), Labcorp
Classification: Uncertain significance. Last evaluated: 2024-06-22. Review status: criteria provided, single submitter. Criteria: Invitae Variant Classification Sherloc (09022015). Collection method: clinical testing. Allele origin: germline.
Comment: This sequence change replaces valine, which is neutral and non-polar, with leucine, which is neutral and non-polar, at codon 1002 of the POLE protein (p.Val1002Leu). This variant is not present in population databases (gnomAD no frequency). This variant has not been reported in the literature in individuals affected with POLE-related conditions. ClinVar contains an entry for this variant (Variation ID: 1798732). Advanced modeling of protein sequence and biophysical properties (such as structural, functional, and spatial information, amino acid conservation, physicochemical variation, residue mobility, and thermodynamic stability) performed at Invitae indicates that this missense variant is not expected to disrupt POLE protein function with a negative predictive value of 80%. In summary, the available evidence is currently insufficient to determine the role of this variant in disease. Therefore, it has been classified as a Variant of Uncertain Significance.

Ambry Genetics
Classification: Uncertain significance for Hereditary cancer-predisposing syndrome. Last evaluated: 2022-10-28. Review status: criteria provided, single submitter. Criteria: Ambry Variant Classification Scheme 2023. Collection method: clinical testing. Allele origin: germline.
Comment: The p.V1002L variant (also known as c.3004G>T), located in coding exon 25 of the POLE gene, results from a G to T substitution at nucleotide position 3004. The valine at codon 1002 is replaced by leucine, an amino acid with highly similar properties. This amino acid position is conserved. In addition, this alteration is predicted to be tolerated by in silico analysis. Since supporting evidence is limited at this time, the clinical significance of this alteration remains unclear.

NM_006231.4(POLE):c.3004G>T (p.Val1002Leu)

Gene: POLE (DNA polymerase epsilon, catalytic subunit; minus strand). Cytogenetic location: 12q24.33.
Variant type: single nucleotide variant.
Coding change: c.3004G>T on transcript NM_006231.4 (MANE Select); coding-DNA position 3004, G replaced by T.
Protein change: p.Val1002Leu; replaces valine 1002 with leucine.
Molecular consequence: missense variant.
Genome position (GRCh38, 1-based): chr12:132,661,025, C>A on the plus strand (G>T on the coding strand, the complement: POLE is on the minus strand). VCF-style: chr12-132661025-C-A. GRCh37 (hg19) VCF-style: chr12-133237611-C-A.
Other names: short protein forms V1002L.
Identifiers: ClinVar variation 1798732 (VCV001798732.4), dbSNP rs2042666966, ClinGen allele CA387392307.